The following is an entry in ClinVar:

ClinVar aggregate classification (germline): Uncertain significance. Review status: criteria provided, multiple submitters, no conflicts (2 of 4 stars). 2 submissions from 2 submitters: Uncertain significance (2). Last evaluated 2022-05-15.

Conditions:
Cardiovascular phenotype. Identifiers: MedGen CN230736.
Cholestanol storage disease (CTX). Also called: Cerebrotendinous Xanthomatosis; CTX: Cerebrotendinous xanthomatosis; CEREBRAL CHOLESTERINOSIS. Identifiers: Orphanet 909, MedGen C0238052, MONDO:0008948, OMIM 213700.

Allele frequency attached by ClinVar (database versions not stated): TOPMed below 0.00001; gnomAD exomes 0.00001.
gnomAD v4.1: 10 of 1,614,222 alleles (0.00062%); highest among the groups gnomAD compares: African/African-American, 0.0013%; no homozygotes.

Submissions (2):

Labcorp Genetics (formerly Invitae), Labcorp
Classification: Uncertain significance for Cholestanol storage disease. Last evaluated: 2022-05-15. Review status: criteria provided, single submitter. Criteria: Invitae Variant Classification Sherloc (09022015). Collection method: clinical testing. Allele origin: germline.
Comment: This sequence change replaces glutamine, which is neutral and polar, with glutamic acid, which is acidic and polar, at codon 65 of the CYP27A1 protein (p.Gln65Glu). This variant is not present in population databases (gnomAD no frequency). This variant has not been reported in the literature in individuals affected with CYP27A1-related conditions. Advanced modeling of protein sequence and biophysical properties (such as structural, functional, and spatial information, amino acid conservation, physicochemical variation, residue mobility, and thermodynamic stability) performed at Invitae indicates that this missense variant is not expected to disrupt CYP27A1 protein function. In summary, the available evidence is currently insufficient to determine the role of this variant in disease. Therefore, it has been classified as a Variant of Uncertain Significance.

Ambry Genetics
Classification: Uncertain significance for Cardiovascular phenotype. Last evaluated: 2022-04-21. Review status: criteria provided, single submitter. Criteria: Ambry Variant Classification Scheme 2023. Collection method: clinical testing. Allele origin: germline.
Comment: The p.Q65E variant (also known as c.193C>G), located in coding exon 1 of the CYP27A1 gene, results from a C to G substitution at nucleotide position 193. The glutamine at codon 65 is replaced by glutamic acid, an amino acid with highly similar properties. This amino acid position is conserved. In addition, this alteration is predicted to be tolerated by in silico analysis. Since supporting evidence is limited at this time, the clinical significance of this alteration remains unclear.

NM_000784.4(CYP27A1):c.193C>G (p.Gln65Glu)

Gene: CYP27A1 (cytochrome P450 family 27 subfamily A member 1; plus strand). Cytogenetic location: 2q35.
Variant type: single nucleotide variant.
Coding change: c.193C>G on transcript NM_000784.4 (MANE Select); coding-DNA position 193, C replaced by G.
Protein change: p.Gln65Glu; replaces glutamine 65 with glutamic acid.
Molecular consequence: missense variant.
Genome position (GRCh38, 1-based): chr2:218,782,375, C>G. VCF-style: chr2-218782375-C-G. GRCh37 (hg19) VCF-style: chr2-219647098-C-G.
Other names: short protein forms Q65E.
Identifiers: ClinVar variation 1507223 (VCV001507223.7), dbSNP rs1553614310, ClinGen allele CA350576551.